The following is an entry in ClinVar:

ClinVar aggregate classification (germline): Likely benign. Review status: criteria provided, single submitter (1 of 4 stars). 2 submissions from 2 submitters: Likely benign (1). 1 of the submissions does not count toward it. Last evaluated 2025-08-31.

Conditions:
SEMA3A-related disorder. Also called: SEMA3A-related condition.

Allele frequency attached by ClinVar (database versions not stated): gnomAD 0.00010; ExAC 0.00014; TOPMed 0.00018; gnomAD exomes 0.00019 and 0.00038; 1000 Genomes Project 30x 0.00031; ESP Exome Variant Server 0.00038; 1000 Genomes Project 0.00040.
gnomAD v4.1: 582 of 1,612,934 alleles (0.036%); highest among the groups gnomAD compares: Non-Finnish European, 0.044%; 1 homozygote.

Submissions (2):

Labcorp Genetics (formerly Invitae), Labcorp
Classification: Likely benign. Last evaluated: 2025-08-31. Review status: criteria provided, single submitter. Criteria: Invitae Variant Classification Sherloc (09022015). Collection method: clinical testing. Allele origin: germline.

PreventionGenetics, part of Exact Sciences
Classification: Likely benign for SEMA3A-related condition. Last evaluated: 2019-08-20. Review status: no assertion criteria provided. Collection method: clinical testing. Allele origin: germline. Not counted in ClinVar's aggregate classification.
Comment: This variant is classified as likely benign based on ACMG/AMP sequence variant interpretation guidelines (Richards et al. 2015 PMID: 25741868, with internal and published modifications).

NM_006080.3(SEMA3A):c.786C>T (p.His262=)

Gene: SEMA3A (semaphorin 3A; minus strand). Cytogenetic location: 7q21.11.
Variant type: single nucleotide variant.
Coding change: c.786C>T on transcript NM_006080.3 (MANE Select); coding-DNA position 786, C replaced by T.
Protein change: p.His262=; no amino-acid change (histidine 262 retained).
Molecular consequence: synonymous variant.
Genome position (GRCh38, 1-based): chr7:84,014,233, G>A on the plus strand (C>T on the coding strand, the complement: SEMA3A is on the minus strand). VCF-style: chr7-84014233-G-A. GRCh37 (hg19) VCF-style: chr7-83643549-G-A.
Identifiers: ClinVar variation 726160 (VCV000726160.8), dbSNP rs34652029, ClinGen allele CA4322922.